The following is an entry in ClinVar:

ClinVar aggregate classification (germline): Likely pathogenic (1 of 4 stars; one submission).

Conditions:
Retinitis pigmentosa 3. Also called: CHOROIDORETINAL DEGENERATION WITH RETINAL REFLEX IN HETEROZYGOUS WOMEN. Identifiers: Orphanet 791, MedGen C1845667, MONDO:0010227, OMIM 300029.

Submission:

3billion
Classification: Likely pathogenic for Retinitis pigmentosa 3. Last evaluated: 2023-12-29. Review status: criteria provided, single submitter. Criteria: ACMG Guidelines, 2015. Collection method: clinical testing. Allele origin: germline. Affected: yes.
Comment: The variant is not observed in the gnomAD v2.1.1 dataset. Predicted Consequence/Location: Frameshift - predicted to result in a loss or disruption of normal protein function through protein truncation. The predicted truncated protein may be shortened by more than 10%. Therefore, the variant is classified as likely pathogenic according to the recommendation of ACMG/AMP guideline.

NM_001034853.2(RPGR):c.2840_2841insAGGGGAGGATGGAGAAGGG (p.Glu950fs)

Gene: RPGR (retinitis pigmentosa GTPase regulator; minus strand). Cytogenetic location: Xp11.4.
Variant type: Insertion.
Coding change: c.2840_2841insAGGGGAGGATGGAGAAGGG on transcript NM_001034853.2 (MANE Select); coding-DNA positions 2840 to 2841, AGGGGAGGATGGAGAAGGG inserted.
Protein change: p.Glu950fs; shifts the reading frame from glutamic acid 950.
Molecular consequence: frameshift variant. On other transcripts: intron variant (8).
Genome position: GRCh38 VCF-style: chrX-38286158-C-CCCCTTCTCCATCCTCCCCT. GRCh37 (hg19) VCF-style: chrX-38145411-C-CCCCTTCTCCATCCTCCCCT.
Other names: c.1569+4800_1569+4801insAGGGGAGGATGGAGAAGGG (NM_001367249.1, NM_001367250.1); c.1902+935_1902+936insAGGGGAGGATGGAGAAGGG (NM_001367245.1); c.1386+4800_1386+4801insAGGGGAGGATGGAGAAGGG (NM_001367251.1); c.1719+935_1719+936insAGGGGAGGATGGAGAAGGG (NM_001367246.1); c.1572+4800_1572+4801insAGGGGAGGATGGAGAAGGG (NM_001367247.1); c.1905+935_1905+936insAGGGGAGGATGGAGAAGGG (NM_000328.3); c.1602+4800_1602+4801insAGGGGAGGATGGAGAAGGG (NM_001367248.1); short protein forms E950fs.
Identifiers: ClinVar variation 3775390 (VCV003775390.1).